The following is an entry in ClinVar:

NM_001164508.2(NEB):c.21321T>C (p.Tyr7107=)

Genes: NEB (nebulin; minus strand), RIF1 (replication timing regulatory factor 1; plus strand). Cytogenetic location: 2q23.3.
Variant type: single nucleotide variant.
Coding change: c.21321T>C on transcript NM_001164508.2 (MANE Select); coding-DNA position 21321, T replaced by C.
Protein change: p.Tyr7107=; no amino-acid change (tyrosine 7107 retained).
Molecular consequence: synonymous variant. On other transcripts: intron variant (2).
Genome position (GRCh38, 1-based): chr2:151,533,538, A>G on the plus strand (T>C on the coding strand, the complement: NEB is on the minus strand). VCF-style: chr2-151533538-A-G. GRCh37 (hg19) VCF-style: chr2-152390052-A-G.
Other names: c.21426T>C, p.Tyr7142= (NM_001271208.2); c.16314+677T>C (NM_004543.5); c.21417+677T>C (NM_001164507.2).
Identifiers: ClinVar variation 794869 (VCV000794869.12), dbSNP rs372326115, ClinGen allele CA1906985.
Genomic context (GRCh38, chr2:151,533,538, plus strand): 5'-CATATCTGGACGCAGAATTTCATTACATCCATGTTGCAGAAACATCTTGGCACTAGATTT[A>G]TATTTTCTCTGTCCATGCAAAGAGCAGTGAAGCACAAAAGAGACTTATGAAGACAGAAAA-3'
Protein context (NP_001157980.2, residues 7097-7117): YATQLMNERK[Tyr7107=]KSSAKMFLQH

ClinVar aggregate classification (germline): Likely benign. Review status: criteria provided, single submitter (1 of 4 stars). 2 submissions from 2 submitters: Likely benign (1). 1 of the submissions does not count toward it. Last evaluated 2024-11-03.

Conditions:
NEB-related disorder. Also called: NEB-related condition; NEB-Related Disorders.
Nemaline myopathy 2 (NEM2). Also called: Nemaline myopathy 2, autosomal recessive. Identifiers: MedGen C1850569, MONDO:0009725, OMIM 256030.

Allele frequency attached by ClinVar (database versions not stated): gnomAD exomes 0.00001 and 0.00002; ExAC 0.00005; gnomAD 0.00007; TOPMed 0.00011; ESP Exome Variant Server 0.00044.
gnomAD v4.1: 44 of 1,549,308 alleles (0.0028%); highest among the groups gnomAD compares: African/African-American, 0.015%; no homozygotes.

Submissions (2):

Labcorp Genetics (formerly Invitae), Labcorp
Classification: Likely benign for Nemaline myopathy 2. Last evaluated: 2024-11-03. Review status: criteria provided, single submitter. Criteria: Invitae Variant Classification Sherloc (09022015). Collection method: clinical testing. Allele origin: germline.

PreventionGenetics, part of Exact Sciences
Classification: Likely benign for NEB-related condition. Last evaluated: 2023-01-18. Review status: no assertion criteria provided. Collection method: clinical testing. Allele origin: germline. Not counted in ClinVar's aggregate classification.
Comment: This variant is classified as likely benign based on ACMG/AMP sequence variant interpretation guidelines (Richards et al. 2015 PMID: 25741868, with internal and published modifications).